The following is an entry in ClinVar:

NM_006031.6(PCNT):c.4045G>A (p.Glu1349Lys)

Gene: PCNT (pericentrin; plus strand). Cytogenetic location: 21q22.3.
Variant type: single nucleotide variant.
Coding change: c.4045G>A on transcript NM_006031.6 (MANE Select); coding-DNA position 4045, G replaced by A.
Protein change: p.Glu1349Lys; replaces glutamic acid 1349 with lysine.
Molecular consequence: missense variant.
Genome position (GRCh38, 1-based): chr21:46,391,205, G>A. VCF-style: chr21-46391205-G-A. GRCh37 (hg19) VCF-style: chr21-47811120-G-A.
Other names: c.3691G>A, p.Glu1231Lys (NM_001315529.2); short protein forms E1231K, E1349K.
Identifiers: ClinVar variation 1495942 (VCV001495942.8), dbSNP rs2147306221, ClinGen allele CA410576773.

ClinVar aggregate classification (germline): Uncertain significance (1 of 4 stars; one submission).

Submission:

Labcorp Genetics (formerly Invitae), Labcorp
Classification: Uncertain significance. Last evaluated: 2022-08-09. Review status: criteria provided, single submitter. Criteria: Invitae Variant Classification Sherloc (09022015). Collection method: clinical testing. Allele origin: germline.
Comment: In summary, the available evidence is currently insufficient to determine the role of this variant in disease. Therefore, it has been classified as a Variant of Uncertain Significance. Algorithms developed to predict the effect of missense changes on protein structure and function output the following: SIFT: "Tolerated"; PolyPhen-2: "Benign"; Align-GVGD: "Class C0". The lysine amino acid residue is found in multiple mammalian species, which suggests that this missense change does not adversely affect protein function. ClinVar contains an entry for this variant (Variation ID: 1495942). This variant has not been reported in the literature in individuals affected with PCNT-related conditions. This variant is not present in population databases (gnomAD no frequency). This sequence change replaces glutamic acid, which is acidic and polar, with lysine, which is basic and polar, at codon 1349 of the PCNT protein (p.Glu1349Lys).